The following is an entry in ClinVar:

ClinVar aggregate classification (germline): Uncertain significance (1 of 4 stars; one submission).

Allele frequency attached by ClinVar (database versions not stated): gnomAD exomes below 0.00001; TOPMed 0.00001.
gnomAD v4.1: 1 of 1,188,301 alleles (0.000084%); highest among the groups gnomAD compares: Non-Finnish European, 0.00011%; no homozygotes.

Submission:

GeneDx
Classification: Uncertain significance. Last evaluated: 2022-11-16. Review status: criteria provided, single submitter. Criteria: GeneDx Variant Classification Process June 2021. Collection method: clinical testing. Allele origin: germline. Affected: yes.
Comment: Not observed at significant frequency in large population cohorts (gnomAD); In silico analysis supports that this missense variant does not alter protein structure/function; Has not been previously published as pathogenic or benign to our knowledge

NM_000390.4(CHM):c.1274A>G (p.Gln425Arg)

Gene: CHM (CHM Rab escort protein; minus strand). Cytogenetic location: Xq21.2.
Variant type: single nucleotide variant.
Coding change: c.1274A>G on transcript NM_000390.4 (MANE Select); coding-DNA position 1274, A replaced by G.
Protein change: p.Gln425Arg; replaces glutamine 425 with arginine.
Molecular consequence: missense variant.
Genome position (GRCh38, 1-based): chrX:85,901,159, T>C on the plus strand (A>G on the coding strand, the complement: CHM is on the minus strand). VCF-style: chrX-85901159-T-C. GRCh37 (hg19) VCF-style: chrX-85156164-T-C.
Other names: c.830A>G, p.Gln277Arg (NM_001320959.1, NM_001362517.1, NM_001362518.2 and 1 more transcripts); short protein forms Q277R, Q425R.
Identifiers: ClinVar variation 2502517 (VCV002502517.1), dbSNP rs1926262705, ClinGen allele CA413789857.